The following is an entry in ClinVar:

NM_015557.3(CHD5):c.3684del (p.Asn1229fs)

Gene: CHD5 (chromodomain helicase DNA binding protein 5; minus strand). Cytogenetic location: 1p36.31.
Variant type: Deletion.
Coding change: c.3684del on transcript NM_015557.3 (MANE Select); coding-DNA position 3684, one base deleted (G; older notation c.3684delG).
Protein change: p.Asn1229fs; shifts the reading frame from asparagine 1229.
Molecular consequence: frameshift variant.
Genome position (GRCh38, 1-based): chr1:6,128,545, C deleted on the plus strand (G on the coding strand, the reverse complement: CHD5 is on the minus strand); the first of 6 consecutive C bases (chr1:6,128,545-6,128,550); deleting any one gives the same sequence. VCF-style (leftmost placement, unchanged base first): chr1-6128544-TC-T. GRCh37 (hg19) VCF-style: chr1-6188604-TC-T.
Other names: short protein forms N1229fs.
Identifiers: ClinVar variation 2022088 (VCV002022088.4), dbSNP rs2525378715, ClinGen allele CA415801336.

ClinVar aggregate classification (germline): Pathogenic (1 of 4 stars; one submission).

Submission:

Labcorp Genetics (formerly Invitae), Labcorp
Classification: Pathogenic. Last evaluated: 2023-11-06. Review status: criteria provided, single submitter. Criteria: Invitae Variant Classification Sherloc (09022015). Collection method: clinical testing. Allele origin: germline.
Comment: This sequence change creates a premature translational stop signal (p.Asn1229Thrfs*26) in the CHD5 gene. It is expected to result in an absent or disrupted protein product. Loss-of-function variants in CHD5 are known to be pathogenic (PMID: 33944996). This variant is not present in population databases (gnomAD no frequency). This variant has not been reported in the literature in individuals affected with CHD5-related conditions. ClinVar contains an entry for this variant (Variation ID: 2022088). For these reasons, this variant has been classified as Pathogenic.

Literature cited by the submitters: PubMed 33944996.